The following is an entry in ClinVar:

ClinVar aggregate classification (germline): Benign. Review status: criteria provided, multiple submitters, no conflicts (2 of 4 stars). 3 submissions from 3 submitters: Benign (2). 1 of the submissions does not count toward it. Last evaluated 2026-02-04.

Conditions:
DIP2C-related disorder. Also called: DIP2C-related condition.

Allele frequency attached by ClinVar (database versions not stated): ESP Exome Variant Server 0.32085; gnomAD 0.34088 and 0.34725; ExAC 0.38590; TOPMed 0.34217; 1000 Genomes Project 0.38139; 1000 Genomes Project 30x 0.37773; gnomAD exomes 0.38953.
gnomAD v4.1: 564,158 of 1,597,882 alleles (35%); highest among the groups gnomAD compares: East Asian, 48%; 102,087 homozygotes.

Submissions (3):

Labcorp Genetics (formerly Invitae), Labcorp
Classification: Benign. Last evaluated: 2026-02-04. Review status: criteria provided, single submitter. Criteria: Invitae Variant Classification Sherloc (09022015). Collection method: clinical testing. Allele origin: germline.

Breakthrough Genomics
Classification: Benign. Review status: criteria provided, single submitter. Criteria: ACMG Guidelines, 2015. Collection method: not provided. Allele origin: germline. Inheritance: Unknown mechanism. Affected: yes.

PreventionGenetics, part of Exact Sciences
Classification: Benign for DIP2C-related condition. Last evaluated: 2019-10-16. Review status: no assertion criteria provided. Collection method: clinical testing. Allele origin: germline. Not counted in ClinVar's aggregate classification.
Comment: This variant is classified as benign based on ACMG/AMP sequence variant interpretation guidelines (Richards et al. 2015 PMID: 25741868, with internal and published modifications).

NM_014974.3(DIP2C):c.1866C>T (p.Gly622=)

Gene: DIP2C (DIP2 acetate--CoA ligase C (putative); minus strand). Cytogenetic location: 10p15.3.
Variant type: single nucleotide variant.
Coding change: c.1866C>T on transcript NM_014974.3 (MANE Select); coding-DNA position 1866, C replaced by T.
Protein change: p.Gly622=; no amino-acid change (glycine 622 retained).
Molecular consequence: synonymous variant.
Genome position (GRCh38, 1-based): chr10:384,037, G>A on the plus strand (C>T on the coding strand, the complement: DIP2C is on the minus strand). VCF-style: chr10-384037-G-A. GRCh37 (hg19) VCF-style: chr10-429977-G-A.
Other names: c.1866C>T (NM_014974.2).
Identifiers: ClinVar variation 1645858 (VCV001645858.11), dbSNP rs10904083, ClinGen allele CA5380735.
Genomic context (GRCh38, chr10:384,037, plus strand): 5'-AAAGACTCCACAGCCCGCCTGCCTCACGAGATCACACGCTCCTCACTTACAGGGGTTCGC[G>A]CCGTCCGCCACTATCAGCATTCGCAGAGAGGAGAGGTTGATGTCTCTCTGATCTCTGTGT-3'
Protein context (NP_055789.1, residues 612-632): SSLRMLIVAD[Gly622=]ANPWSISSCD